The following is an entry in ClinVar:

NP_000531.2:p.F4860del

Variant type: Deletion.
Identifiers: ClinVar variation 65937 (VCV000065937.2).

ClinVar aggregate classification (germline): Pathogenic (0 of 4 stars; one submission).

Conditions:
Central core myopathy (CMYO1A). Also called: Central core disease; Myopathy, central fibrillar; CONGENITAL MYOPATHY 1A, AUTOSOMAL DOMINANT, WITH SUSCEPTIBILITY TO MALIGNANT HYPERTHERMIA. Identifiers: Orphanet 597, MedGen C5830701, MONDO:0007294, OMIM 117000.

Submission:

GeneReviews
Classification: Pathogenic for Central Core Disease. Last evaluated: 2010-05-11. Review status: no assertion criteria provided. Collection method: curation. Allele origin: unknown.
ClinVar note: Converted during submission from pathologic to Pathogenic.